The following is an entry in ClinVar:

ClinVar aggregate classification (germline): Benign (1 of 4 stars; one submission).

Allele frequency attached by ClinVar (database versions not stated): TOPMed 0.26675; 1000 Genomes Project 0.27436; 1000 Genomes Project 30x 0.27608; gnomAD 0.26808 and 0.26973.

Submission:

GeneDx
Classification: Benign. Last evaluated: 2018-06-14. Review status: criteria provided, single submitter. Criteria: GeneDx Variant Classification (06012015). Collection method: clinical testing. Allele origin: germline. Affected: yes.
Comment: This variant is considered likely benign or benign based on one or more of the following criteria: it is a conservative change, it occurs at a poorly conserved position in the protein, it is predicted to be benign by multiple in silico algorithms, and/or has population frequency not consistent with disease.

NM_004239.3(TRIP11):c.-554A>G

Gene: TRIP11 (thyroid hormone receptor interactor 11; minus strand). Cytogenetic location: 14q32.12.
Variant type: single nucleotide variant.
Coding change: c.-554A>G on transcript NM_004239.3; 554 bases upstream of the start codon, A replaced by G.
Genome position (GRCh38, 1-based): chr14:92,040,239, T>C on the plus strand (A>G on the coding strand, the complement: TRIP11 is on the minus strand). VCF-style: chr14-92040239-T-C. GRCh37 (hg19) VCF-style: chr14-92506583-T-C.
Identifiers: ClinVar variation 667760 (VCV000667760.3), dbSNP rs58339937, ClinGen allele CA14011444.